The following is an entry in ClinVar:

NM_001286.5(CLCN6):c.1781T>C (p.Val594Ala)

Gene: CLCN6 (chloride voltage-gated channel 6; plus strand). Cytogenetic location: 1p36.22.
Variant type: single nucleotide variant.
Coding change: c.1781T>C on transcript NM_001286.5 (MANE Select); coding-DNA position 1781, T replaced by C.
Protein change: p.Val594Ala; replaces valine 594 with alanine.
Molecular consequence: missense variant. On other transcripts: non-coding transcript variant (1).
Genome position (GRCh38, 1-based): chr1:11,834,578, T>C. VCF-style: chr1-11834578-T-C. GRCh37 (hg19) VCF-style: chr1-11894635-T-C.
Other names: c.1715T>C, p.Val572Ala (NM_001256959.2); c.1781T>C (NM_001286.2); short protein forms V572A, V594A.
Identifiers: ClinVar variation 2993531 (VCV002993531.4), dbSNP rs1371973121, ClinGen allele CA338436284.

ClinVar aggregate classification (germline): Uncertain significance. Review status: criteria provided, multiple submitters, no conflicts (2 of 4 stars). 2 submissions from 2 submitters: Uncertain significance (2). Last evaluated 2024-12-11.

Allele frequency attached by ClinVar (database versions not stated): gnomAD exomes below 0.00001; gnomAD 0.00002.

Submissions (2):

Ambry Genetics
Classification: Uncertain significance. Last evaluated: 2024-12-11. Review status: criteria provided, single submitter. Criteria: Ambry Variant Classification Scheme 2023. Collection method: clinical testing. Allele origin: germline.

Labcorp Genetics (formerly Invitae), Labcorp
Classification: Uncertain significance. Last evaluated: 2023-04-07. Review status: criteria provided, single submitter. Criteria: Invitae Variant Classification Sherloc (09022015). Collection method: clinical testing. Allele origin: germline.
Comment: This sequence change replaces valine, which is neutral and non-polar, with alanine, which is neutral and non-polar, at codon 594 of the CLCN6 protein (p.Val594Ala). In summary, the available evidence is currently insufficient to determine the role of this variant in disease. Therefore, it has been classified as a Variant of Uncertain Significance. Algorithms developed to predict the effect of missense changes on protein structure and function output the following: SIFT: "Not Available"; PolyPhen-2: "Benign"; Align-GVGD: "Not Available". The alanine amino acid residue is found in multiple mammalian species, which suggests that this missense change does not adversely affect protein function. This variant has not been reported in the literature in individuals affected with CLCN6-related conditions. This variant is not present in population databases (gnomAD no frequency).